The following is an entry in ClinVar:

ClinVar aggregate classification (germline): Uncertain significance (1 of 4 stars; one submission).

Conditions:
Walker-Warburg congenital muscular dystrophy. Also called: Muscular dystrophy-dystroglycanopathy, type A; Walker-Warburg syndrome. Identifiers: Orphanet 899, MedGen C0265221, MONDO:0000171.
Autosomal recessive limb-girdle muscular dystrophy type 2K. Also called: MUSCULAR DYSTROPHY-DYSTROGLYCANOPATHY (LIMB-GIRDLE), TYPE C, 1; MUSCULAR DYSTROPHY, LIMB-GIRDLE, TYPE 2K. Identifiers: Orphanet 86812, MedGen C1836373, MONDO:0012248, OMIM 609308.
Muscular dystrophy-dystroglycanopathy (congenital with impaired intellectual development), type B, 1. Also called: Muscular dystrophy-dystroglycanopathy (congenital with intellectual disability), type B1; MUSCULAR DYSTROPHY, CONGENITAL, POMT1-RELATED. Identifiers: MedGen C5436962, MONDO:0013159, OMIM 613155.

Allele frequency attached by ClinVar (database versions not stated): gnomAD 0.00001 and 0.00002; TOPMed 0.00001.
gnomAD v4.1: 16 of 1,614,094 alleles (0.00099%); highest among the groups gnomAD compares: South Asian, 0.0033%; no homozygotes.

Submission:

Labcorp Genetics (formerly Invitae), Labcorp
Classification: Uncertain significance for Muscular dystrophy-dystroglycanopathy (congenital with impaired intellectual development), type B, 1; Walker-Warburg congenital muscular dystrophy; Autosomal recessive limb-girdle muscular dystrophy type 2K. Last evaluated: 2022-06-27. Review status: criteria provided, single submitter. Criteria: Invitae Variant Classification Sherloc (09022015). Collection method: clinical testing. Allele origin: germline.
Comment: This sequence change replaces valine, which is neutral and non-polar, with leucine, which is neutral and non-polar, at codon 101 of the POMT1 protein (p.Val101Leu). The frequency data for this variant in the population databases is considered unreliable, as metrics indicate poor data quality at this position in the gnomAD database. This variant has not been reported in the literature in individuals affected with POMT1-related conditions. Algorithms developed to predict the effect of missense changes on protein structure and function (SIFT, PolyPhen-2, Align-GVGD) all suggest that this variant is likely to be tolerated. In summary, the available evidence is currently insufficient to determine the role of this variant in disease. Therefore, it has been classified as a Variant of Uncertain Significance.

NM_001077365.2(POMT1):c.301G>C (p.Val101Leu)

Gene: POMT1 (protein O-mannosyltransferase 1; plus strand). Cytogenetic location: 9q34.13.
Variant type: single nucleotide variant.
Coding change: c.301G>C on transcript NM_001077365.2 (MANE Select); coding-DNA position 301, G replaced by C.
Protein change: p.Val101Leu; replaces valine 101 with leucine.
Molecular consequence: missense variant. On other transcripts: 5 prime UTR variant (5), non-coding transcript variant (9), intron variant (2).
Genome position (GRCh38, 1-based): chr9:131,507,388, G>C. VCF-style: chr9-131507388-G-C. GRCh37 (hg19) VCF-style: chr9-134382775-G-C.
Other names: c.139G>C, p.Val47Leu (NM_001077366.2, NM_001353194.2, NM_001353197.2 and 3 more transcripts); c.301G>C, p.Val101Leu (NM_001136113.2, NM_001353193.2, NM_001374690.1 and 1 more transcripts); c.-51G>C (NM_001136114.2, NM_001353195.2, NM_001353199.2 and 2 more transcripts); c.211G>C, p.Val71Leu (NM_001353196.2); c.-29-1523G>C (NM_001374695.1); c.-30+935G>C (NM_001353200.2); short protein forms V101L, V47L, V71L.
Identifiers: ClinVar variation 1525901 (VCV001525901.5), dbSNP rs199552424, ClinGen allele CA200779268.
Genomic context (GRCh38, chr9:131,507,388, plus strand): 5'-GCACAGTGTAGTCAGCTCTGCAGTGTGGTTGCTTTTCCAGAATACAGTAGCAACGTGCCT[G>C]TGTGGTCCCTGCGCCTGCTGCCAGCACTCGCGGGGGCCTTGTCGGTCCCCATGGCCTACC-3'
Protein context (NP_001070833.1, residues 91-111): IGAEYSSNVP[Val101Leu]WSLRLLPALA